The following is an entry in ClinVar:

NM_138691.3(TMC1):c.800G>A (p.Gly267Glu)

Gene: TMC1 (transmembrane channel like 1; plus strand). Cytogenetic location: 9q21.13.
Variant type: single nucleotide variant.
Coding change: c.800G>A on transcript NM_138691.3 (MANE Select); coding-DNA position 800, G replaced by A.
Protein change: p.Gly267Glu; replaces glycine 267 with glutamic acid.
Molecular consequence: missense variant.
Genome position (GRCh38, 1-based): chr9:72,772,471, G>A. VCF-style: chr9-72772471-G-A. GRCh37 (hg19) VCF-style: chr9-75387387-G-A.
Other names: short protein forms G267E.
Identifiers: ClinVar variation 2735279 (VCV002735279.3), dbSNP rs2489883381, ClinGen allele CA373502947.

ClinVar aggregate classification (germline): Pathogenic (1 of 4 stars; one submission).

Submission:

Labcorp Genetics (formerly Invitae), Labcorp
Classification: Pathogenic. Last evaluated: 2023-07-17. Review status: criteria provided, single submitter. Criteria: Invitae Variant Classification Sherloc (09022015). Collection method: clinical testing. Allele origin: germline.
Comment: For these reasons, this variant has been classified as Pathogenic. Advanced modeling of protein sequence and biophysical properties (such as structural, functional, and spatial information, amino acid conservation, physicochemical variation, residue mobility, and thermodynamic stability) performed at Invitae indicates that this missense variant is expected to disrupt TMC1 protein function. This missense change has been observed in individual(s) with autosomal recessive nonsyndromic deafness (PMID: 24416283). In at least one individual the data is consistent with being in trans (on the opposite chromosome) from a pathogenic variant. It has also been observed to segregate with disease in related individuals. This variant is not present in population databases (gnomAD no frequency). This sequence change replaces glycine, which is neutral and non-polar, with glutamic acid, which is acidic and polar, at codon 267 of the TMC1 protein (p.Gly267Glu).

Literature cited by the submitters: PubMed 24416283.